The following is an entry in ClinVar:

ClinVar aggregate classification (germline): Uncertain significance. Review status: criteria provided, multiple submitters, no conflicts (2 of 4 stars). 3 submissions from 3 submitters: Uncertain significance (3). Last evaluated 2025-11-19.

Conditions:
Rhabdoid tumor predisposition syndrome 2 (RTPS2). Identifiers: Orphanet 231108, Orphanet 69077, MedGen C2750074, MONDO:0013224, OMIM 613325.
Hereditary cancer-predisposing syndrome. Also called: Tumor predisposition; Hereditary neoplastic syndrome; Hereditary Cancer Syndrome; Neoplastic Syndromes, Hereditary. Identifiers: Orphanet 140162, MedGen C0027672, MeSH D009386, MONDO:0015356.

Allele frequency attached by ClinVar (database versions not stated): gnomAD exomes below 0.00001.

Submissions (3):

Labcorp Genetics (formerly Invitae), Labcorp
Classification: Uncertain significance for Rhabdoid tumor predisposition syndrome 2. Last evaluated: 2025-11-19. Review status: criteria provided, single submitter. Criteria: Invitae Variant Classification Sherloc (09022015). Collection method: clinical testing. Allele origin: germline.
Comment: This sequence change replaces methionine, which is neutral and non-polar, with valine, which is neutral and non-polar, at codon 84 of the SMARCA4 protein (p.Met84Val). This variant is not present in population databases (gnomAD no frequency). This variant has not been reported in the literature in individuals affected with SMARCA4-related conditions. ClinVar contains an entry for this variant (Variation ID: 577799). Invitae Evidence Modeling of protein sequence and biophysical properties (such as structural, functional, and spatial information, amino acid conservation, physicochemical variation, residue mobility, and thermodynamic stability) indicates that this missense variant is not expected to disrupt SMARCA4 protein function with a negative predictive value of 95%. In summary, the available evidence is currently insufficient to determine the role of this variant in disease. Therefore, it has been classified as a Variant of Uncertain Significance.

Ambry Genetics
Classification: Uncertain significance for Hereditary cancer-predisposing syndrome. Last evaluated: 2025-09-06. Review status: criteria provided, single submitter. Criteria: Ambry Variant Classification Scheme 2023. Collection method: clinical testing. Allele origin: germline.
Comment: The p.M84V variant (also known as c.250A>G), located in coding exon 2 of the SMARCA4 gene, results from an A to G substitution at nucleotide position 250. The methionine at codon 84 is replaced by valine, an amino acid with highly similar properties. This amino acid position is well conserved in available vertebrate species. In addition, this alteration is predicted to be tolerated by in silico analysis. Based on the available evidence, the clinical significance of this variant remains unclear.

GeneDx
Classification: Uncertain significance. Last evaluated: 2023-11-15. Review status: criteria provided, single submitter. Criteria: GeneDx Variant Classification Process June 2021. Collection method: clinical testing. Allele origin: germline. Affected: yes.
Comment: Not observed at significant frequency in large population cohorts (gnomAD); In silico analysis supports that this missense variant does not alter protein structure/function; Has not been previously published as pathogenic or benign to our knowledge

NM_003072.5(SMARCA4):c.250A>G (p.Met84Val)

Gene: SMARCA4 (SWI/SNF related BAF chromatin remodeling complex subunit ATPase 4; plus strand). Cytogenetic location: 19p13.2.
Variant type: single nucleotide variant.
Coding change: c.250A>G on transcript NM_003072.5 (MANE Select); coding-DNA position 250, A replaced by G.
Protein change: p.Met84Val; replaces methionine 84 with valine.
Molecular consequence: missense variant. On other transcripts: non-coding transcript variant (1).
Genome position (GRCh38, 1-based): chr19:10,985,300, A>G. VCF-style: chr19-10985300-A-G. GRCh37 (hg19) VCF-style: chr19-11095976-A-G.
Other names: c.250A>G, p.Met84Val (NM_001128844.3, NM_001128845.2, NM_001128846.2 and 5 more transcripts); short protein forms M84V.
Identifiers: ClinVar variation 577799 (VCV000577799.15), dbSNP rs1568419761, ClinGen allele CA404055134.